The following is an entry in ClinVar:

ClinVar aggregate classification (germline): Likely benign. Review status: criteria provided, single submitter (1 of 4 stars). 2 submissions from 2 submitters: Likely benign (1). 1 of the submissions does not count toward it. Last evaluated 2025-08-24.

Conditions:
SLC6A19-related disorder. Also called: SLC6A19-related condition.

Allele frequency attached by ClinVar (database versions not stated): gnomAD exomes 0.00002 and 0.00004; gnomAD 0.00006 and 0.00007; ExAC 0.00007; TOPMed 0.00009.
gnomAD v4.1: 45 of 1,613,332 alleles (0.0028%); highest among the groups gnomAD compares: South Asian, 0.029%; no homozygotes.

Submissions (2):

Labcorp Genetics (formerly Invitae), Labcorp
Classification: Likely benign. Last evaluated: 2025-08-24. Review status: criteria provided, single submitter. Criteria: Invitae Variant Classification Sherloc (09022015). Collection method: clinical testing. Allele origin: germline.

PreventionGenetics, part of Exact Sciences
Classification: Likely benign for SLC6A19-related condition. Last evaluated: 2019-06-21. Review status: no assertion criteria provided. Collection method: clinical testing. Allele origin: germline. Not counted in ClinVar's aggregate classification.
Comment: This variant is classified as likely benign based on ACMG/AMP sequence variant interpretation guidelines (Richards et al. 2015 PMID: 25741868, with internal and published modifications).

NM_001003841.3(SLC6A19):c.219G>A (p.Pro73=)

Gene: SLC6A19 (solute carrier family 6 member 19; plus strand). Cytogenetic location: 5p15.33.
Variant type: single nucleotide variant.
Coding change: c.219G>A on transcript NM_001003841.3 (MANE Select); coding-DNA position 219, G replaced by A.
Protein change: p.Pro73=; no amino-acid change (proline 73 retained).
Molecular consequence: synonymous variant.
Genome position (GRCh38, 1-based): chr5:1,208,762, G>A. VCF-style: chr5-1208762-G-A. GRCh37 (hg19) VCF-style: chr5-1208877-G-A.
Identifiers: ClinVar variation 760602 (VCV000760602.7), dbSNP rs776566109, ClinGen allele CA3182625.